The following is an entry in ClinVar:

ClinVar aggregate classification (germline): Uncertain significance. Review status: criteria provided, multiple submitters, no conflicts (2 of 4 stars). 3 submissions from 3 submitters: Uncertain significance (3). Last evaluated 2025-01-30.

Conditions:
Ullrich congenital muscular dystrophy 2 (UCMD2). Identifiers: Orphanet 75840, MedGen C4225314, MONDO:0014654, OMIM 616470.
Bethlem myopathy 2 (BTHLM2). Identifiers: Orphanet 536516, Orphanet 610, MedGen C4225313, MONDO:0034022, OMIM 616471.

Allele frequency attached by ClinVar (database versions not stated): ExAC 0.00001; gnomAD exomes 0.00001; TOPMed 0.00002.
gnomAD v4.1: 5 of 1,610,016 alleles (0.00031%); highest among the groups gnomAD compares: Admixed American, 0.0067%; no homozygotes.

Submissions (3):

GeneDx
Classification: Uncertain significance. Last evaluated: 2025-01-30. Review status: criteria provided, single submitter. Criteria: GeneDx Variant Classification Process June 2021. Collection method: clinical testing. Allele origin: germline. Affected: yes.
Comment: In silico analysis indicates that this missense variant does not alter protein structure/function; Has not been previously published as pathogenic or benign to our knowledge

Women's Health and Genetics/Laboratory Corporation of America, LabCorp
Classification: Uncertain significance. Last evaluated: 2025-01-03. Review status: criteria provided, single submitter. Criteria: LabCorp Variant Classification Summary - May 2015. Collection method: clinical testing. Allele origin: germline.
Comment: Variant summary: COL12A1 c.3485A>T (p.Asp1162Val) results in a non-conservative amino acid change located in the Fibronectin type III repeat domain (IPR003961) of the encoded protein sequence. Four of five in-silico tools predict a damaging effect of the variant on protein function. The variant allele was found at a frequency of 8.1e-06 in 247206 control chromosomes. The available data on variant occurrences in the general population are insufficient to allow any conclusion about variant significance. To our knowledge, no occurrence of c.3485A>T in individuals affected with Ullrich congenital muscular dystrophy 2 and no experimental evidence demonstrating its impact on protein function have been reported. ClinVar contains an entry for this variant (Variation ID: 645930). Based on the evidence outlined above, the variant was classified as uncertain significance.

Labcorp Genetics (formerly Invitae), Labcorp
Classification: Uncertain significance for Bethlem myopathy 2; Ullrich congenital muscular dystrophy 2. Last evaluated: 2023-12-02. Review status: criteria provided, single submitter. Criteria: Invitae Variant Classification Sherloc (09022015). Collection method: clinical testing. Allele origin: germline.
Comment: This sequence change replaces aspartic acid, which is acidic and polar, with valine, which is neutral and non-polar, at codon 1162 of the COL12A1 protein (p.Asp1162Val). This variant is present in population databases (rs770692332, gnomAD 0.006%). This variant has not been reported in the literature in individuals affected with COL12A1-related conditions. ClinVar contains an entry for this variant (Variation ID: 645930). Advanced modeling of protein sequence and biophysical properties (such as structural, functional, and spatial information, amino acid conservation, physicochemical variation, residue mobility, and thermodynamic stability) performed at Invitae indicates that this missense variant is not expected to disrupt COL12A1 protein function with a negative predictive value of 80%. In summary, the available evidence is currently insufficient to determine the role of this variant in disease. Therefore, it has been classified as a Variant of Uncertain Significance.

NM_004370.6(COL12A1):c.3485A>T (p.Asp1162Val)

Gene: COL12A1 (collagen type XII alpha 1 chain; minus strand). Cytogenetic location: 6q13.
Variant type: single nucleotide variant.
Coding change: c.3485A>T on transcript NM_004370.6 (MANE Select); coding-DNA position 3485, A replaced by T.
Protein change: p.Asp1162Val; replaces aspartic acid 1162 with valine.
Molecular consequence: missense variant. On other transcripts: intron variant (1).
Genome position (GRCh38, 1-based): chr6:75,154,496, T>A on the plus strand (A>T on the coding strand, the complement: COL12A1 is on the minus strand). VCF-style: chr6-75154496-T-A. GRCh37 (hg19) VCF-style: chr6-75864212-T-A.
Other names: c.74-2014A>T (NM_080645.3); short protein forms D1162V.
Identifiers: ClinVar variation 645930 (VCV000645930.15), dbSNP rs770692332, ClinGen allele CA3893702.
Genomic context (GRCh38, chr6:75,154,496, plus strand): 5'-ACAGTTGTGTCGGAAAGGGTTGTCATTTCTTGTCCAACAAGTGGTGAGCTTTCTCCTCCA[T>A]CAAACATTCCAAAAACATTTACTTTATAGGTGGTACCAGCCCTAAAATGTTAAAGTATAT-3'
Protein context (NP_004361.3, residues 1152-1172): TYKVNVFGMF[Asp1162Val]GGESSPLVGQ